The following is an entry in ClinVar:

ClinVar aggregate classification (germline): Uncertain significance. Review status: criteria provided, multiple submitters, no conflicts (2 of 4 stars). 2 submissions from 2 submitters: Uncertain significance (2). Last evaluated 2025-12-26.

Conditions:
Microcephaly-intellectual disability-sensorineural hearing loss-epilepsy-abnormal muscle tone syndrome (NEDHSB). Also called: NEURODEVELOPMENTAL DISORDER WITH HEARING LOSS, SEIZURES, AND BRAIN ABNORMALITIES. Identifiers: Orphanet 457351, MedGen C4225276, MONDO:0014698, OMIM 616577.

Allele frequency attached by ClinVar (database versions not stated): gnomAD exomes below 0.00001; gnomAD 0.00001 and 0.00002; TOPMed 0.00001.
gnomAD v4.1: 13 of 1,614,198 alleles (0.00081%); highest among the groups gnomAD compares: South Asian, 0.0033%; no homozygotes.

Submissions (2):

Labcorp Genetics (formerly Invitae), Labcorp
Classification: Uncertain significance for Microcephaly-intellectual disability-sensorineural hearing loss-epilepsy-abnormal muscle tone syndrome. Last evaluated: 2025-12-26. Review status: criteria provided, single submitter. Criteria: Invitae Variant Classification Sherloc (09022015). Collection method: clinical testing. Allele origin: germline.
Comment: This sequence change replaces threonine, which is neutral and polar, with asparagine, which is neutral and polar, at codon 598 of the SPATA5 protein (p.Thr598Asn). This variant is present in population databases (rs201286083, gnomAD 0.003%). This variant has not been reported in the literature in individuals affected with SPATA5-related conditions. ClinVar contains an entry for this variant (Variation ID: 951544). Invitae Evidence Modeling of protein sequence and biophysical properties (such as structural, functional, and spatial information, amino acid conservation, physicochemical variation, residue mobility, and thermodynamic stability) indicates that this missense variant is not expected to disrupt SPATA5 protein function with a negative predictive value of 80%. In summary, the available evidence is currently insufficient to determine the role of this variant in disease. Therefore, it has been classified as a Variant of Uncertain Significance.

Breakthrough Genomics
Classification: Uncertain significance. Review status: criteria provided, single submitter. Criteria: ACMG Guidelines, 2015. Collection method: not provided. Allele origin: germline. Inheritance: Unknown mechanism. Affected: yes.

NM_145207.3(AFG2A):c.1793C>A (p.Thr598Asn)

Gene: AFG2A (AAA ATPase AFG2A; plus strand). Cytogenetic location: 4q28.1.
Variant type: single nucleotide variant.
Coding change: c.1793C>A on transcript NM_145207.3 (MANE Select); coding-DNA position 1793, C replaced by A.
Protein change: p.Thr598Asn; replaces threonine 598 with asparagine.
Molecular consequence: missense variant.
Genome position (GRCh38, 1-based): chr4:122,979,310, C>A. VCF-style: chr4-122979310-C-A. GRCh37 (hg19) VCF-style: chr4-123900465-C-A.
Other names: c.1790C>A, p.Thr597Asn (NM_001317799.2, NM_001345856.2); short protein forms T597N, T598N.
Identifiers: ClinVar variation 951544 (VCV000951544.7), dbSNP rs201286083, ClinGen allele CA104808558.